The following is an entry in ClinVar:

ClinVar aggregate classification (germline): Uncertain significance (1 of 4 stars; one submission).

Submission:

Labcorp Genetics (formerly Invitae), Labcorp
Classification: Uncertain significance. Last evaluated: 2022-03-01. Review status: criteria provided, single submitter. Criteria: Invitae Variant Classification Sherloc (09022015). Collection method: clinical testing. Allele origin: germline.
Comment: In summary, the available evidence is currently insufficient to determine the role of this variant in disease. Therefore, it has been classified as a Variant of Uncertain Significance. Algorithms developed to predict the effect of missense changes on protein structure and function are either unavailable or do not agree on the potential impact of this missense change (SIFT: "Deleterious"; PolyPhen-2: "Benign"; Align-GVGD: "Class C0"). This variant has not been reported in the literature in individuals affected with AGAP1-related conditions. This variant is not present in population databases (gnomAD no frequency). This sequence change replaces asparagine, which is neutral and polar, with aspartic acid, which is acidic and polar, at codon 26 of the AGAP1 protein (p.Asn26Asp).

NM_001037131.3(AGAP1):c.76A>G (p.Asn26Asp)

Gene: AGAP1 (ArfGAP with GTPase domain, ankyrin repeat and PH domain 1; plus strand). Cytogenetic location: 2q37.2.
Variant type: single nucleotide variant.
Coding change: c.76A>G on transcript NM_001037131.3 (MANE Select); coding-DNA position 76, A replaced by G.
Protein change: p.Asn26Asp; replaces asparagine 26 with aspartic acid.
Molecular consequence: missense variant.
Genome position (GRCh38, 1-based): chr2:235,494,762, A>G. VCF-style: chr2-235494762-A-G. GRCh37 (hg19) VCF-style: chr2-236403406-A-G.
Other names: c.76A>G, p.Asn26Asp (NM_001244888.2, NM_001412122.1, NM_014914.5); short protein forms N26D.
Identifiers: ClinVar variation 2105333 (VCV002105333.4), dbSNP rs2469780138, ClinGen allele CA351180898.